The following is an entry in ClinVar:

NM_001291088.2(WDR87):c.4631C>T (p.Pro1544Leu)

Gene: WDR87 (WD repeat domain 87; minus strand). Cytogenetic location: 19q13.13.
Variant type: single nucleotide variant.
Coding change: c.4631C>T on transcript NM_001291088.2 (MANE Select); coding-DNA position 4631, C replaced by T.
Protein change: p.Pro1544Leu; replaces proline 1544 with leucine.
Molecular consequence: missense variant.
Genome position (GRCh38, 1-based): chr19:37,889,040, G>A on the plus strand (C>T on the coding strand, the complement: WDR87 is on the minus strand). VCF-style: chr19-37889040-G-A. GRCh37 (hg19) VCF-style: chr19-38379680-G-A.
Other names: c.4514C>T, p.Pro1505Leu (NM_031951.5); short protein forms P1505L, P1544L.
Identifiers: ClinVar variation 2043997 (VCV002043997.5), dbSNP rs201635014, ClinGen allele CA9408638.

ClinVar aggregate classification (germline): Uncertain significance. Review status: criteria provided, multiple submitters, no conflicts (2 of 4 stars). 2 submissions from 2 submitters: Uncertain significance (2). Last evaluated 2024-03-15.

Allele frequency attached by ClinVar (database versions not stated): ExAC 0.00031; TOPMed 0.00060; gnomAD exomes 0.00097; 1000 Genomes Project 30x 0.00031; gnomAD 0.00059; ESP Exome Variant Server 0.00088.

Submissions (2):

Ambry Genetics
Classification: Uncertain significance. Last evaluated: 2024-03-15. Review status: criteria provided, single submitter. Criteria: Ambry Variant Classification Scheme 2023. Collection method: clinical testing. Allele origin: germline.

Labcorp Genetics (formerly Invitae), Labcorp
Classification: Uncertain significance. Last evaluated: 2023-08-17. Review status: criteria provided, single submitter. Criteria: Invitae Variant Classification Sherloc (09022015). Collection method: clinical testing. Allele origin: germline.
Comment: In summary, the available evidence is currently insufficient to determine the role of this variant in disease. Therefore, it has been classified as a Variant of Uncertain Significance. Algorithms developed to predict the effect of missense changes on protein structure and function output the following: SIFT: "Not Available"; PolyPhen-2: "Benign"; Align-GVGD: "Not Available". The leucine amino acid residue is found in multiple mammalian species, which suggests that this missense change does not adversely affect protein function. ClinVar contains an entry for this variant (Variation ID: 2043997). This variant has not been reported in the literature in individuals affected with WDR87-related conditions. This variant is present in population databases (rs201635014, gnomAD 0.1%), and has an allele count higher than expected for a pathogenic variant. This sequence change replaces proline, which is neutral and non-polar, with leucine, which is neutral and non-polar, at codon 1505 of the WDR87 protein (p.Pro1505Leu).